The following is an entry in ClinVar:

NM_018089.3(ANKZF1):c.261+5T>A

Gene: ANKZF1 (ankyrin repeat and zinc finger peptidyl tRNA hydrolase 1; plus strand). Cytogenetic location: 2q35.
Variant type: single nucleotide variant.
Coding change: c.261+5T>A on transcript NM_018089.3 (MANE Select); 5 bases into the intron after coding-DNA position 261, T replaced by A.
Molecular consequence: intron variant.
Genome position (GRCh38, 1-based): chr2:219,232,045, T>A. VCF-style: chr2-219232045-T-A. GRCh37 (hg19) VCF-style: chr2-220096767-T-A.
Other names: c.261+5T>A (NM_001042410.2); c.-266-445T>A (NM_001282792.2).
Identifiers: ClinVar variation 2183378 (VCV002183378.4), dbSNP rs769262165, ClinGen allele CA2120678.

ClinVar aggregate classification (germline): Uncertain significance (1 of 4 stars; one submission).

Allele frequency attached by ClinVar (database versions not stated): gnomAD 0.00001; TOPMed 0.00002; ExAC 0.00003.

Submission:

Labcorp Genetics (formerly Invitae), Labcorp
Classification: Uncertain significance. Last evaluated: 2024-05-14. Review status: criteria provided, single submitter. Criteria: Invitae Variant Classification Sherloc (09022015). Collection method: clinical testing. Allele origin: germline.
Comment: This sequence change falls in intron 3 of the ANKZF1 gene. It does not directly change the encoded amino acid sequence of the ANKZF1 protein. It affects a nucleotide within the consensus splice site. This variant is present in population databases (rs769262165, gnomAD 0.005%). This variant has not been reported in the literature in individuals affected with ANKZF1-related conditions. ClinVar contains an entry for this variant (Variation ID: 2183378). Variants that disrupt the consensus splice site are a relatively common cause of aberrant splicing (PMID: 17576681, 9536098). Algorithms developed to predict the effect of sequence changes on RNA splicing suggest that this variant is not likely to affect RNA splicing. In summary, the available evidence is currently insufficient to determine the role of this variant in disease. Therefore, it has been classified as a Variant of Uncertain Significance.

Literature cited by the submitters: PubMed 17576681; PubMed 9536098.